The following is an entry in ClinVar:

NM_001369.3(DNAH5):c.3383A>G (p.Asn1128Ser)

Genes: DNAH5 (dynein axonemal heavy chain 5; minus strand), DNAH5-AS1 (DNAH5 antisense RNA 1; plus strand). Cytogenetic location: 5p15.2.
Variant type: single nucleotide variant.
Coding change: c.3383A>G on transcript NM_001369.3 (MANE Select); coding-DNA position 3383, A replaced by G.
Protein change: p.Asn1128Ser; replaces asparagine 1128 with serine.
Molecular consequence: missense variant.
Genome position (GRCh38, 1-based): chr5:13,876,697, T>C on the plus strand (A>G on the coding strand, the complement: DNAH5 is on the minus strand). VCF-style: chr5-13876697-T-C. GRCh37 (hg19) VCF-style: chr5-13876806-T-C.
Other names: short protein forms N1128S.
Identifiers: ClinVar variation 2912305 (VCV002912305.2), dbSNP rs964181737, ClinGen allele CA113926925.

ClinVar aggregate classification (germline): Uncertain significance (1 of 4 stars; one submission).

Conditions:
Primary ciliary dyskinesia. Also called: Ciliary dyskinesia. Identifiers: Orphanet 244, MedGen C0008780, MONDO:0016575, HP:0012265.

Allele frequency attached by ClinVar (database versions not stated): gnomAD exomes below 0.00001; TOPMed 0.00002; gnomAD 0.00003.
gnomAD v4.1: 6 of 1,613,382 alleles (0.00037%); highest among the groups gnomAD compares: African/African-American, 0.0053%; no homozygotes.

Submission:

Labcorp Genetics (formerly Invitae), Labcorp
Classification: Uncertain significance for Primary ciliary dyskinesia. Last evaluated: 2023-08-17. Review status: criteria provided, single submitter. Criteria: Invitae Variant Classification Sherloc (09022015). Collection method: clinical testing. Allele origin: germline.
Comment: This variant has not been reported in the literature in individuals affected with DNAH5-related conditions. This variant is not present in population databases (gnomAD no frequency). This sequence change replaces asparagine, which is neutral and polar, with serine, which is neutral and polar, at codon 1128 of the DNAH5 protein (p.Asn1128Ser). Advanced modeling of protein sequence and biophysical properties (such as structural, functional, and spatial information, amino acid conservation, physicochemical variation, residue mobility, and thermodynamic stability) performed at Invitae indicates that this missense variant is not expected to disrupt DNAH5 protein function. In summary, the available evidence is currently insufficient to determine the role of this variant in disease. Therefore, it has been classified as a Variant of Uncertain Significance.